The following is an entry in ClinVar:

ClinVar aggregate classification (germline): Uncertain significance. Review status: criteria provided, multiple submitters, no conflicts (2 of 4 stars). 2 submissions from 2 submitters: Uncertain significance (2). Last evaluated 2022-04-19.

Conditions:
Carney-Stratakis syndrome. Also called: PARAGANGLIOMA AND GASTROINTESTINAL STROMAL TUMOR. Identifiers: Orphanet 97286, MedGen C1847319, MONDO:0011740, OMIM 606864.
Pheochromocytoma. Also called: MAX-Related Hereditary Paraganglioma-Pheochromocytoma Syndrome. Identifiers: Orphanet 29072, MedGen C0031511, MONDO:0008233, OMIM 171300, HP:0002666.
Paragangliomas with sensorineural hearing loss. Identifiers: MedGen C1868633.
Cowden syndrome 3 (CWS3). Identifiers: Orphanet 201, MedGen CN166604, MONDO:0014045.
Hereditary cancer-predisposing syndrome. Also called: Neoplastic Syndromes, Hereditary; Tumor predisposition; Hereditary neoplastic syndrome; Hereditary Cancer Syndrome. Identifiers: Orphanet 140162, MedGen C0027672, MeSH D009386, MONDO:0015356.

Allele frequency attached by ClinVar (database versions not stated): gnomAD exomes below 0.00001 and 0.00001; TOPMed below 0.00001; gnomAD 0.00001; ExAC 0.00002.
gnomAD v4.1: 3 of 1,613,684 alleles (0.00019%); highest among the groups gnomAD compares: Non-Finnish European, 0.00025%; no homozygotes.

Submissions (2):

Ambry Genetics
Classification: Uncertain significance for Hereditary cancer-predisposing syndrome. Last evaluated: 2022-04-19. Review status: criteria provided, single submitter. Criteria: Ambry Variant Classification Scheme 2023. Collection method: clinical testing. Allele origin: germline.
Comment: The p.E42K variant (also known as c.124G>A), located in coding exon 2 of the SDHD gene, results from a G to A substitution at nucleotide position 124. The glutamic acid at codon 42 is replaced by lysine, an amino acid with similar properties. This amino acid position is conserved. In addition, the in silico prediction for this alteration is inconclusive. Since supporting evidence is limited at this time, the clinical significance of this alteration remains unclear.

Labcorp Genetics (formerly Invitae), Labcorp
Classification: Uncertain significance for Carney-Stratakis syndrome; Paragangliomas with sensorineural hearing loss; Pheochromocytoma; Cowden syndrome 3. Last evaluated: 2021-08-20. Review status: criteria provided, single submitter. Criteria: Invitae Variant Classification Sherloc (09022015). Collection method: clinical testing. Allele origin: germline.
Comment: This sequence change replaces glutamic acid with lysine at codon 42 of the SDHD protein (p.Glu42Lys). The glutamic acid residue is weakly conserved and there is a small physicochemical difference between glutamic acid and lysine. This variant is present in population databases (rs756995021, ExAC 0.003%). This variant has not been reported in the literature in individuals affected with SDHD-related conditions. Advanced modeling of protein sequence and biophysical properties (such as structural, functional, and spatial information, amino acid conservation, physicochemical variation, residue mobility, and thermodynamic stability) performed at Invitae indicates that this missense variant is not expected to disrupt SDHD protein function. In summary, the available evidence is currently insufficient to determine the role of this variant in disease. Therefore, it has been classified as a Variant of Uncertain Significance.

NM_003002.4(SDHD):c.124G>A (p.Glu42Lys)

Gene: SDHD (succinate dehydrogenase complex subunit D; plus strand). Cytogenetic location: 11q23.1.
Variant type: single nucleotide variant.
Coding change: c.124G>A on transcript NM_003002.4 (MANE Select); coding-DNA position 124, G replaced by A.
Protein change: p.Glu42Lys; replaces glutamic acid 42 with lysine.
Molecular consequence: missense variant. On other transcripts: non-coding transcript variant (1), intron variant (1).
Genome position (GRCh38, 1-based): chr11:112,087,928, G>A. VCF-style: chr11-112087928-G-A. GRCh37 (hg19) VCF-style: chr11-111958652-G-A.
Other names: c.124G>A, p.Glu42Lys (NM_001276503.2, NM_001276506.2); c.53-939G>A (NM_001276504.2); short protein forms E42K.
Identifiers: ClinVar variation 1391119 (VCV001391119.7), dbSNP rs756995021, ClinGen allele CA070647.